The following is an entry in ClinVar:

NM_020937.4(FANCM):c.736G>A (p.Ala246Thr)

Gene: FANCM (FA complementation group M; plus strand). Cytogenetic location: 14q21.2.
Variant type: single nucleotide variant.
Coding change: c.736G>A on transcript NM_020937.4 (MANE Select); coding-DNA position 736, G replaced by A.
Protein change: p.Ala246Thr; replaces alanine 246 with threonine.
Molecular consequence: missense variant. On other transcripts: intron variant (1).
Genome position (GRCh38, 1-based): chr14:45,140,686, G>A. VCF-style: chr14-45140686-G-A. GRCh37 (hg19) VCF-style: chr14-45609889-G-A.
Other names: c.736G>A, p.Ala246Thr (NM_001308134.2); c.681+3445G>A (NM_001308133.2); short protein forms A246T.
Identifiers: ClinVar variation 1470732 (VCV001470732.6), dbSNP rs2139118418, ClinGen allele CA389589145.

ClinVar aggregate classification (germline): Uncertain significance (1 of 4 stars; one submission).

Conditions:
Fanconi anemia (FA). Also called: Fanconi's anemia. Identifiers: Orphanet 84, MedGen C0015625, MeSH D005199, MONDO:0019391.

Submission:

Labcorp Genetics (formerly Invitae), Labcorp
Classification: Uncertain significance for Fanconi anemia. Last evaluated: 2021-11-23. Review status: criteria provided, single submitter. Criteria: Invitae Variant Classification Sherloc (09022015). Collection method: clinical testing. Allele origin: germline.
Comment: In summary, the available evidence is currently insufficient to determine the role of this variant in disease. Therefore, it has been classified as a Variant of Uncertain Significance. Algorithms developed to predict the effect of missense changes on protein structure and function are either unavailable or do not agree on the potential impact of this missense change (SIFT: "Deleterious"; PolyPhen-2: "Probably Damaging"; Align-GVGD: "Class C0"). This variant has not been reported in the literature in individuals affected with FANCM-related conditions. This variant is not present in population databases (gnomAD no frequency). This sequence change replaces alanine, which is neutral and non-polar, with threonine, which is neutral and polar, at codon 246 of the FANCM protein (p.Ala246Thr).